The following is an entry in ClinVar:

ClinVar aggregate classification (germline): Uncertain significance (1 of 4 stars; one submission).

Conditions:
Developmental and epileptic encephalopathy, 36 (DEE36). Also called: Epileptic encephalopathy, early infantile, 36; ALG13-CDG; Congenital disorder of glycosylation, type Is. Identifiers: Orphanet 324422, MedGen C4317295, MONDO:0010472, OMIM 300884.

Submission:

Labcorp Genetics (formerly Invitae), Labcorp
Classification: Uncertain significance for Developmental and epileptic encephalopathy, 36. Last evaluated: 2023-09-12. Review status: criteria provided, single submitter. Criteria: Invitae Variant Classification Sherloc (09022015). Collection method: clinical testing. Allele origin: germline.
Comment: Algorithms developed to predict the effect of missense changes on protein structure and function output the following: SIFT: "Not Available"; PolyPhen-2: "Benign"; Align-GVGD: "Not Available". The isoleucine amino acid residue is found in multiple mammalian species, which suggests that this missense change does not adversely affect protein function. This variant has not been reported in the literature in individuals affected with ALG13-related conditions. This variant is not present in population databases (gnomAD no frequency). This sequence change replaces valine, which is neutral and non-polar, with isoleucine, which is neutral and non-polar, at codon 1013 of the ALG13 protein (p.Val1013Ile). In summary, the available evidence is currently insufficient to determine the role of this variant in disease. Therefore, it has been classified as a Variant of Uncertain Significance.

NM_001099922.3(ALG13):c.3037G>A (p.Val1013Ile)

Gene: ALG13 (ALG13 UDP-N-acetylglucosaminyltransferase subunit; plus strand). Cytogenetic location: Xq23.
Variant type: single nucleotide variant.
Coding change: c.3037G>A on transcript NM_001099922.3 (MANE Select); coding-DNA position 3037, G replaced by A.
Protein change: p.Val1013Ile; replaces valine 1013 with isoleucine.
Molecular consequence: missense variant. On other transcripts: non-coding transcript variant (1).
Genome position (GRCh38, 1-based): chrX:111,757,651, G>A. VCF-style: chrX-111757651-G-A. GRCh37 (hg19) VCF-style: chrX-111000879-G-A.
Other names: c.2488G>A, p.Val830Ile (NM_001257230.2, NM_001257234.2, NM_001257237.2); c.2803G>A, p.Val935Ile (NM_001257231.2); c.2800G>A, p.Val934Ile (NM_001324292.2); c.2314G>A, p.Val772Ile (NM_001324293.1); short protein forms V934I, V772I, V1013I, V830I, V935I.
Identifiers: ClinVar variation 2760213 (VCV002760213.3), dbSNP rs2526554400, ClinGen allele CA414292625.